The following is an entry in ClinVar:

ClinVar aggregate classification (germline): Uncertain significance (1 of 4 stars; one submission).

Submission:

GeneDx
Classification: Uncertain significance. Last evaluated: 2022-02-14. Review status: criteria provided, single submitter. Criteria: GeneDx Variant Classification Process June 2021. Collection method: clinical testing. Allele origin: germline. Affected: yes.
Comment: Not observed at significant frequency in large population cohorts (gnomAD); In-frame deletion of one amino acid in a non-repeat region; n silico analysis supports a deleterious effect on protein structure/function; Has not been previously published as pathogenic or benign to our knowledge

NM_016592.5(GNAS):c.266AGG[1] (p.Glu90del)

Genes: GNAS (GNAS complex locus; plus strand), GNAS-AS1 (GNAS antisense RNA 1; minus strand). Cytogenetic location: 20q13.32.
Variant type: Microsatellite.
Coding change: c.266AGG[1] on transcript NM_016592.5 (MANE Plus Clinical); one copy of the 3-base unit AGG starting at c.266; the reference has two copies in a row; one copy, 3 bases deleted.
Protein change: p.Glu90del; deletes glutamic acid 90.
Molecular consequence: inframe deletion. On other transcripts: 5 prime UTR variant (1).
Genome position (GRCh38, 1-based): chr20:58,840,375-58,840,377, AGG deleted; deleting any 3 consecutive bases within chr20:58,840,371-58,840,377 gives the same sequence; the position shown is the placement nearest the transcript's 3' end. VCF-style (leftmost placement, unchanged base first): chr20-58840370-CGAG-C. GRCh37 (hg19) VCF-style: chr20-57415425-CGAG-C.
Other names: c.-472AGG[1] (NM_001410912.1); short protein forms E90del.
Identifiers: ClinVar variation 1700713 (VCV001700713.2), dbSNP rs2145470921, ClinGen allele CA2580616347.